The following is an entry in ClinVar:

NM_000245.4(MET):c.1036T>C (p.Phe346Leu)

Gene: MET (MET proto-oncogene, receptor tyrosine kinase; plus strand). Cytogenetic location: 7q31.2.
Variant type: single nucleotide variant.
Coding change: c.1036T>C on transcript NM_000245.4 (MANE Select); coding-DNA position 1036, T replaced by C.
Protein change: p.Phe346Leu; replaces phenylalanine 346 with leucine.
Molecular consequence: missense variant. On other transcripts: intron variant (1).
Genome position (GRCh38, 1-based): chr7:116,700,120, T>C. VCF-style: chr7-116700120-T-C. GRCh37 (hg19) VCF-style: chr7-116340174-T-C.
Other names: c.1036T>C (NM_001127500.1); c.1036T>C, p.Phe346Leu (NM_001127500.3, NM_001324401.3); c.-91+27543T>C (NM_001324402.2); short protein forms F346L.
Identifiers: ClinVar variation 1356300 (VCV001356300.7), dbSNP rs1791514789, ClinGen allele CA368970398.

ClinVar aggregate classification (germline): Uncertain significance. Review status: criteria provided, multiple submitters, no conflicts (2 of 4 stars). 3 submissions from 3 submitters: Uncertain significance (3). Last evaluated 2025-05-23.

Conditions:
Hereditary cancer-predisposing syndrome. Also called: Neoplastic Syndromes, Hereditary; Tumor predisposition; Hereditary neoplastic syndrome; Hereditary Cancer Syndrome. Identifiers: Orphanet 140162, MedGen C0027672, MeSH D009386, MONDO:0015356.
Renal cell carcinoma. Identifiers: Orphanet 217071, MedGen C0007134, MeSH D002292, MONDO:0005086, HP:0005584.

Allele frequency attached by ClinVar (database versions not stated): gnomAD exomes below 0.00001; TOPMed below 0.00001.
gnomAD v4.1: 1 of 1,607,302 alleles (0.000062%); highest among the groups gnomAD compares: African/African-American, 0.0013%; no homozygotes.

Submissions (3):

GeneDx
Classification: Uncertain significance. Last evaluated: 2025-05-23. Review status: criteria provided, single submitter. Criteria: GeneDx Variant Classification Process June 2021. Collection method: clinical testing. Allele origin: germline. Affected: yes.
Comment: Not observed at significant frequency in large population cohorts (gnomAD); In silico analysis supports that this missense variant has a deleterious effect on protein structure/function; Has not been previously published as pathogenic or benign to our knowledge

Labcorp Genetics (formerly Invitae), Labcorp
Classification: Uncertain significance for Renal cell carcinoma. Last evaluated: 2024-09-14. Review status: criteria provided, single submitter. Criteria: Invitae Variant Classification Sherloc (09022015). Collection method: clinical testing. Allele origin: germline.
Comment: This sequence change replaces phenylalanine, which is neutral and non-polar, with leucine, which is neutral and non-polar, at codon 346 of the MET protein (p.Phe346Leu). This variant is not present in population databases (gnomAD no frequency). This variant has not been reported in the literature in individuals affected with MET-related conditions. ClinVar contains an entry for this variant (Variation ID: 1356300). Invitae Evidence Modeling of protein sequence and biophysical properties (such as structural, functional, and spatial information, amino acid conservation, physicochemical variation, residue mobility, and thermodynamic stability) indicates that this missense variant is expected to disrupt MET protein function with a positive predictive value of 80%. In summary, the available evidence is currently insufficient to determine the role of this variant in disease. Therefore, it has been classified as a Variant of Uncertain Significance.

Ambry Genetics
Classification: Uncertain significance for Hereditary cancer-predisposing syndrome. Last evaluated: 2023-05-31. Review status: criteria provided, single submitter. Criteria: Ambry Variant Classification Scheme 2023. Collection method: clinical testing. Allele origin: germline.
Comment: The p.F346L variant (also known as c.1036T>C), located in coding exon 1 of the MET gene, results from a T to C substitution at nucleotide position 1036. The phenylalanine at codon 346 is replaced by leucine, an amino acid with highly similar properties. This amino acid position is highly conserved in available vertebrate species. In addition, this alteration is predicted to be deleterious by in silico analysis. Since supporting evidence is limited at this time, the clinical significance of this alteration remains unclear.